The following is an entry in ClinVar:

NM_024675.4(PALB2):c.1479C>T (p.Pro493=)

Gene: PALB2 (partner and localizer of BRCA2; minus strand). Cytogenetic location: 16p12.2.
Variant type: single nucleotide variant.
Coding change: c.1479C>T on transcript NM_024675.4 (MANE Select); coding-DNA position 1479, C replaced by T.
Protein change: p.Pro493=; no amino-acid change (proline 493 retained).
Molecular consequence: synonymous variant.
Genome position (GRCh38, 1-based): chr16:23,635,067, G>A on the plus strand (C>T on the coding strand, the complement: PALB2 is on the minus strand). VCF-style: chr16-23635067-G-A. GRCh37 (hg19) VCF-style: chr16-23646388-G-A.
Identifiers: ClinVar variation 484204 (VCV000484204.6), dbSNP rs1555461260, ClinGen allele CA494461370.

ClinVar aggregate classification (germline): Benign/Likely benign. Review status: criteria provided, multiple submitters, no conflicts (2 of 4 stars). 2 submissions from 2 submitters: Benign (1); Likely benign (1). Last evaluated 2025-01-13.

Conditions:
Hereditary cancer-predisposing syndrome. Also called: Neoplastic Syndromes, Hereditary; Tumor predisposition; Hereditary Cancer Syndrome; Hereditary neoplastic syndrome. Identifiers: Orphanet 140162, MedGen C0027672, MeSH D009386, MONDO:0015356.
Familial cancer of breast. Also called: BREAST CANCER, FAMILIAL; Hereditary breast cancer; hereditary breast carcinoma. Identifiers: Orphanet 227535, MedGen C0346153, MONDO:0016419, OMIM 114480. Disease mechanism: loss of function.

Submissions (2):

Myriad Genetics, Inc.
Classification: Benign for Familial cancer of breast. Last evaluated: 2025-01-13. Review status: criteria provided, single submitter. Criteria: Myriad Autosomal Dominant, Autosomal Recessive and X-Linked Classification Criteria (2023). Collection method: clinical testing. Allele origin: unknown.
Comment: This variant is considered benign. This variant is a silent/synonymous amino acid change and it is not expected to impact splicing.

Ambry Genetics
Classification: Likely benign for Hereditary cancer-predisposing syndrome. Last evaluated: 2016-11-17. Review status: criteria provided, single submitter. Criteria: Ambry Variant Classification Scheme 2023. Collection method: clinical testing. Allele origin: germline.